The following is an entry in ClinVar:

NM_172364.5(CACNA2D4):c.1838G>A (p.Gly613Asp)

Gene: CACNA2D4 (calcium voltage-gated channel auxiliary subunit alpha2delta 4; minus strand). Cytogenetic location: 12p13.33.
Variant type: single nucleotide variant.
Coding change: c.1838G>A on transcript NM_172364.5 (MANE Select); coding-DNA position 1838, G replaced by A.
Protein change: p.Gly613Asp; replaces glycine 613 with aspartic acid.
Molecular consequence: missense variant.
Genome position (GRCh38, 1-based): chr12:1,874,644, C>T on the plus strand (G>A on the coding strand, the complement: CACNA2D4 is on the minus strand). VCF-style: chr12-1874644-C-T. GRCh37 (hg19) VCF-style: chr12-1983810-C-T.
Other names: short protein forms G613D.
Identifiers: ClinVar variation 4603936 (VCV004603936.2).

ClinVar aggregate classification (germline): Uncertain significance. Review status: criteria provided, multiple submitters, no conflicts (2 of 4 stars). 2 submissions from 2 submitters: Uncertain significance (2). Last evaluated 2025-09-27.

Conditions:
Inborn genetic diseases. Identifiers: MedGen C0950123, MeSH D030342.

gnomAD v4.1: 8 of 1,613,406 alleles (0.0005%); highest among the groups gnomAD compares: South Asian, 0.0022%; no homozygotes.

Submissions (2):

Ambry Genetics
Classification: Uncertain significance for Inborn genetic diseases. Last evaluated: 2025-09-27. Review status: criteria provided, single submitter. Criteria: Ambry Variant Classification Scheme 2023. Collection method: clinical testing. Allele origin: germline.

Labcorp Genetics (formerly Invitae), Labcorp
Classification: Uncertain significance. Last evaluated: 2025-07-30. Review status: criteria provided, single submitter. Criteria: Invitae Variant Classification Sherloc (09022015). Collection method: clinical testing. Allele origin: germline.
Comment: This sequence change replaces glycine, which is neutral and non-polar, with aspartic acid, which is acidic and polar, at codon 613 of the CACNA2D4 protein (p.Gly613Asp). This variant is present in population databases (rs750406954, gnomAD 0.003%). This variant has not been reported in the literature in individuals affected with CACNA2D4-related conditions. An algorithm developed to predict the effect of missense changes on protein structure and function (PolyPhen-2) suggests that this variant is likely to be disruptive. In summary, the available evidence is currently insufficient to determine the role of this variant in disease. Therefore, it has been classified as a Variant of Uncertain Significance.